The following is an entry in ClinVar:

ClinVar aggregate classification (germline): Pathogenic (1 of 4 stars; one submission).

Conditions:
Hereditary diffuse gastric adenocarcinoma (HDGC). Also called: DIFFUSE GASTRIC AND LOBULAR BREAST CANCER SYNDROME. Identifiers: Orphanet 26106, MedGen C1708349, MONDO:0007648, OMIM 137215.

Submission:

Myriad Genetics, Inc.
Classification: Pathogenic for Hereditary diffuse gastric adenocarcinoma. Last evaluated: 2023-06-12. Review status: criteria provided, single submitter. Criteria: Myriad Autosomal Dominant, Autosomal Recessive and X-Linked Classification Criteria (2023). Collection method: clinical testing. Allele origin: unknown.
Comment: This variant is considered pathogenic. This variant creates a frameshift predicted to result in premature protein truncation.

NM_004360.5(CDH1):c.968del (p.Thr323fs)

Gene: CDH1 (cadherin 1; plus strand). Cytogenetic location: 16q22.1.
Variant type: Deletion.
Coding change: c.968del on transcript NM_004360.5 (MANE Select); coding-DNA position 968, one base deleted (C; older notation c.968delC).
Protein change: p.Thr323fs; shifts the reading frame from threonine 323.
Molecular consequence: frameshift variant. On other transcripts: 5 prime UTR variant (2).
Genome position (GRCh38, 1-based): chr16:68,811,819, C deleted. VCF-style (leftmost placement, unchanged base first): chr16-68811818-AC-A. GRCh37 (hg19) VCF-style: chr16-68845721-AC-A.
Other names: c.968del, p.Thr323fs (NM_001317184.2); c.-648del (NM_001317185.2); c.-852del (NM_001317186.2); short protein forms T323fs.
Identifiers: ClinVar variation 2583473 (VCV002583473.2), dbSNP rs2543922754, ClinGen allele CA2582342565.
Genomic context (GRCh38, chr16:68,811,818, plus strand): 5'-ACCATCCTCAGCCAAGATCCTGAGCTCCCTGACAAAAATATGTTCACCATTAACAGGAAC[AC>A]AGGAGTCATCAGTGTGGTCACCACTGGGCTGGACCGAGAGGTCAGGGGTCAGGAGGATCC-3'